The following is an entry in ClinVar:

NM_017671.5(FERMT1):c.910G>T (p.Glu304Ter)

Gene: FERMT1 (FERM domain containing kindlin 1; minus strand). Cytogenetic location: 20p12.3.
Variant type: single nucleotide variant.
Coding change: c.910G>T on transcript NM_017671.5 (MANE Select); coding-DNA position 910, G replaced by T.
Protein change: p.Glu304Ter; replaces glutamic acid 304 with a stop codon.
Molecular consequence: nonsense.
Genome position (GRCh38, 1-based): chr20:6,097,571, C>A on the plus strand (G>T on the coding strand, the complement: FERMT1 is on the minus strand). VCF-style: chr20-6097571-C-A. GRCh37 (hg19) VCF-style: chr20-6078218-C-A.
Other names: short protein forms E304*.
Identifiers: ClinVar variation 224173 (VCV000224173.17), dbSNP rs146180696, ClinGen allele CA357163.

ClinVar aggregate classification (germline): Pathogenic. Review status: criteria provided, multiple submitters, no conflicts (2 of 4 stars). 6 submissions from 6 submitters: Pathogenic (4). 2 of the submissions do not count toward it. Last evaluated 2026-03-01.

Conditions:
FERMT1-related disorders.
FERMT1-related disorder. Also called: FERMT1-related condition.
Kindler syndrome (KNDLRS). Also called: Poikiloderma of Kindler; Congenital bullous poikiloderma; Kindler's syndrome; POIKILODERMA, CONGENITAL, WITH BULLAE, WEARY TYPE; POIKILODERMA, HEREDITARY ACROKERATOTIC; Hereditary acrokeratotic poikiloderma of Weary. Identifiers: Orphanet 2908, Orphanet 306539, MedGen C0406557, MONDO:0008260, OMIM 173650.

Allele frequency attached by ClinVar (database versions not stated): gnomAD 0.00005; TOPMed 0.00005; gnomAD exomes 0.00006 and 0.00013; ExAC 0.00007; ESP Exome Variant Server 0.00015.
gnomAD v4.1: 201 of 1,613,976 alleles (0.012%); highest among the groups gnomAD compares: Non-Finnish European, 0.016%; no homozygotes.

Submissions (6):

CeGaT Center for Human Genetics Tuebingen
Classification: Pathogenic. Last evaluated: 2026-03-01. Review status: criteria provided, single submitter. Criteria: CeGaT Center For Human Genetics Tuebingen Variant Classification Criteria Version 2. Collection method: clinical testing. Allele origin: germline. Affected: yes. Observed: 1 variant allele.
Comment: FERMT1: PVS1, PM2, PM3

Labcorp Genetics (formerly Invitae), Labcorp
Classification: Pathogenic. Last evaluated: 2025-10-23. Review status: criteria provided, single submitter. Criteria: Invitae Variant Classification Sherloc (09022015). Collection method: clinical testing. Allele origin: germline.
Comment: This sequence change creates a premature translational stop signal (p.Glu304*) in the FERMT1 gene. It is expected to result in an absent or disrupted protein product. Loss-of-function variants in FERMT1 are known to be pathogenic (PMID: 14962093, 21936020). This variant is present in population databases (rs146180696, gnomAD 0.01%). This premature translational stop signal has been observed in individual(s) with clinical features of Kindler syndrome (PMID: 14507403). ClinVar contains an entry for this variant (Variation ID: 224173). Algorithms developed to predict the effect of sequence changes on RNA splicing suggest that this variant may disrupt the consensus splice site. For these reasons, this variant has been classified as Pathogenic.

Blueprint Genetics
Classification: Pathogenic for FERMT1-related disorders. Last evaluated: 2022-01-10. Review status: criteria provided, single submitter. Criteria: ACMG Guidelines, 2015. Collection method: clinical testing. Allele origin: germline. Affected: yes. Observed: 2 variant alleles.

Illumina Laboratory Services, Illumina
Classification: Pathogenic for Kindler syndrome. Last evaluated: 2017-10-24. Review status: criteria provided, single submitter. Criteria: ICSL Variant Classification Criteria 09 May 2019. Collection method: clinical testing. Allele origin: germline.
Comment: The FERMT1 c.910G>T (p.Glu304Ter) variant is a stop-gained variant reported in a total of ten individuals with Kindler syndrome, including five homozygotes and five compound heterozygotes (Lanschuetzer et al. 2003; Lai-Cheong et al. 2008; Has et al. 2009; Techanukul et al. 2011; Youssefian et al. 2015). The variant was absent from a total of 200 control chromosomes but is reported at a frequency of 0.00012 in the European (non-Finnish) population of the Exome Aggregation Consortium. Has et al. (2009) showed that expression of kindlin-1, the protein produced by FERMT1, was absent in primary keratinocytes from a individual homozygous for the p.Glu304Ter variant as well as a individual compound heterozygous for p.Glu304Ter and a second stop-gained variant. Based on the potential impact of stop-gained variants and the evidence from the literature, the p.Glu304Ter variant is classified as pathogenic for Kindler syndrome. This variant was observed by ICSL as part of a predisposition screen in an ostensibly healthy population.

PreventionGenetics, part of Exact Sciences
Classification: Pathogenic for FERMT1-related condition. Last evaluated: 2024-05-01. Review status: no assertion criteria provided. Collection method: clinical testing. Allele origin: germline. Not counted in ClinVar's aggregate classification.
Comment: The FERMT1 c.910G>T variant is predicted to result in premature protein termination (p.Glu304*). This variant has been reported in the homozygous or compound heterozygous state in individuals affected with Kindler syndrome (see for example, Lanschuetzer et al. 2003. PubMed ID: 14507403; Has et al. 2009. PubMed ID: 19762715; Lai-Cheong et al. 2009. PubMed ID: 19762710; Heinemann et al. 2011. PubMed ID: 21309038). This variant is reported in 0.012% of alleles in individuals of European (Non-Finnish) descent in gnomAD. Nonsense variants in FERMT1 are expected to be pathogenic. This variant is interpreted as pathogenic.

GeneReviews
No classification provided. Condition: Kindler syndrome. Review status: no classification provided. Collection method: literature only. Allele origin: germline. Not counted in ClinVar's aggregate classification.
Comment: Common pathogenic variant

Literature cited by the submitters: PubMed 14962093 (cited by Labcorp Genetics (formerly Invitae), Labcorp); PubMed 21936020 (cited by Labcorp Genetics (formerly Invitae), Labcorp); PubMed 14507403 (cited by Labcorp Genetics (formerly Invitae), Labcorp and Illumina Laboratory Services, Illumina); PubMed 21336475 (cited by Illumina Laboratory Services, Illumina and GeneReviews); PubMed 19762715 (cited by Illumina Laboratory Services, Illumina); PubMed 18528435 (cited by Illumina Laboratory Services, Illumina); PubMed 25599393 (cited by Illumina Laboratory Services, Illumina and GeneReviews); NCBI Bookshelf NBK349072 (cited by GeneReviews); PubMed 24346923 (cited by GeneReviews); PubMed 17178989 (cited by GeneReviews).